The following is an entry in ClinVar:

NM_001377.3(DYNC2H1):c.10550G>A (p.Arg3517His)

Gene: DYNC2H1 (dynein cytoplasmic 2 heavy chain 1; plus strand). Cytogenetic location: 11q22.3.
Variant type: single nucleotide variant.
Coding change: c.10550G>A on transcript NM_001377.3 (MANE Select); coding-DNA position 10550, G replaced by A.
Protein change: p.Arg3517His; replaces arginine 3517 with histidine.
Molecular consequence: missense variant.
Genome position (GRCh38, 1-based): chr11:103,257,696, G>A. VCF-style: chr11-103257696-G-A. GRCh37 (hg19) VCF-style: chr11-103128425-G-A.
Other names: c.10571G>A, p.Arg3524His (NM_001080463.2); short protein forms R3517H, R3524H.
Identifiers: ClinVar variation 699271 (VCV000699271.18), dbSNP rs188113889, ClinGen allele CA6255005.
Genomic context (GRCh38, chr11:103,257,696, plus strand): 5'-AGAGTGCCAGCAAGATGTACTTCATTATTTCTGATTTGTCCAAAATTAATAACATGTACC[G>A]TTTTAGTTTGGCTGCTTTTCTCCGACTTTTCCAACGAGCTCTACAAAACAAACAGGTAAG-3'
Protein context (NP_001368.2, residues 3507-3527): SDLSKINNMY[Arg3517His]FSLAAFLRLF

ClinVar aggregate classification (germline): Conflicting classifications of pathogenicity. Review status: criteria provided, conflicting classifications (1 of 4 stars). 5 submissions from 5 submitters: Uncertain significance (3); Likely benign (2). Last evaluated 2026-01-24.

Conditions:
Jeune thoracic dystrophy. Also called: Short-rib thoracic dysplasia; Jeune syndrome; Infantile thoracic dystrophy; Thoracic pelvic phalangeal dystrophy; Jeune's syndrome; Chondroectodermal dysplasia-like syndrome. Identifiers: Orphanet 474, MedGen C0265275, MONDO:0018770.
Asphyxiating thoracic dystrophy 3. Also called: Short rib polydactyly syndrome 2B; Saldino-Noonan Syndrome; SHORT-RIB THORACIC DYSPLASIA 3 WITH OR WITHOUT POLYDACTYLY; POLYDACTYLY WITH NEONATAL CHONDRODYSTROPHY, TYPE I; SHORT-RIB THORACIC DYSPLASIA 3/6 WITH POLYDACTYLY, DIGENIC. Identifiers: Orphanet 474, Orphanet 93269, Orphanet 93270, Orphanet 93271, MedGen C0036069, MONDO:0013127, OMIM 613091.

Allele frequency attached by ClinVar (database versions not stated): gnomAD exomes 0.00011 and 0.00021; gnomAD 0.00012 and 0.00016; TOPMed 0.00013; ESP Exome Variant Server 0.00017; ExAC 0.00030; 1000 Genomes Project 0.00080; 1000 Genomes Project 30x 0.00109.
gnomAD v4.1: 185 of 1,610,888 alleles (0.011%); highest among the groups gnomAD compares: East Asian, 0.23%; no homozygotes.

Submissions (5):

Labcorp Genetics (formerly Invitae), Labcorp
Classification: Likely benign for Jeune thoracic dystrophy. Last evaluated: 2026-01-24. Review status: criteria provided, single submitter. Criteria: Invitae Variant Classification Sherloc (09022015). Collection method: clinical testing. Allele origin: germline.

Blueprint Genetics
Classification: Likely benign. Last evaluated: 2024-03-01. Review status: criteria provided, single submitter. Criteria: ACMG Guidelines, 2015. Collection method: clinical testing. Allele origin: germline.

GeneDx
Classification: Uncertain significance. Last evaluated: 2023-05-25. Review status: criteria provided, single submitter. Criteria: GeneDx Variant Classification Process June 2021. Collection method: clinical testing. Allele origin: germline. Affected: yes.
Comment: Has not been previously reported in peer-reviewed literature as pathogenic or benign to our knowledge; however, in an abstract by Vo et al. (2020), R3524H was reported with two additional DYNC2H1 variants, one on the same allele (in cis) and the other on the opposite allele (in trans), in a fetus with ultrasound findings suggestive of Jeune syndrome; In silico analysis supports that this missense variant has a deleterious effect on protein structure/function

Illumina Laboratory Services, Illumina
Classification: Uncertain significance for Asphyxiating thoracic dystrophy 3. Last evaluated: 2018-01-13. Review status: criteria provided, single submitter. Criteria: ICSL Variant Classification Criteria 13 December 2019. Collection method: clinical testing. Allele origin: germline.

Juno Genomics, Hangzhou Juno Genomics, Inc
Classification: Uncertain significance for Asphyxiating thoracic dystrophy 3. Review status: criteria provided, single submitter. Criteria: ACMG Guidelines, 2015. Collection method: clinical testing. Allele origin: germline. Affected: yes.
Comment: Absent from controls (or at extremely low frequency if recessive) in Genome Aggregation Database, Exome Sequencing Project, 1000 Genomes Project, or Exome Aggregation Consortium.